The following is an entry in ClinVar:

ClinVar aggregate classification (germline): Uncertain significance. Review status: criteria provided, multiple submitters, no conflicts (2 of 4 stars). 2 submissions from 2 submitters: Uncertain significance (2). Last evaluated 2025-06-07.

Conditions:
Inborn genetic diseases. Identifiers: MedGen C0950123, MeSH D030342.

Allele frequency attached by ClinVar (database versions not stated): gnomAD exomes below 0.00001; TOPMed below 0.00001; gnomAD 0.00001.
gnomAD v4.1: 2 of 1,613,964 alleles (0.00012%); highest among the groups gnomAD compares: Non-Finnish European, 0.00017%; no homozygotes.

Submissions (2):

Ambry Genetics
Classification: Uncertain significance for Inborn genetic diseases. Last evaluated: 2025-06-07. Review status: criteria provided, single submitter. Criteria: Ambry Variant Classification Scheme 2023. Collection method: clinical testing. Allele origin: germline.

Labcorp Genetics (formerly Invitae), Labcorp
Classification: Uncertain significance. Last evaluated: 2025-02-24. Review status: criteria provided, single submitter. Criteria: Invitae Variant Classification Sherloc (09022015). Collection method: clinical testing. Allele origin: germline.
Comment: This sequence change replaces serine, which is neutral and polar, with proline, which is neutral and non-polar, at codon 12 of the EIF2B2 protein (p.Ser12Pro). This variant is not present in population databases (gnomAD no frequency). This variant has not been reported in the literature in individuals affected with EIF2B2-related conditions. ClinVar contains an entry for this variant (Variation ID: 1517412). An algorithm developed to predict the effect of missense changes on protein structure and function (PolyPhen-2) suggests that this variant is likely to be tolerated. In summary, the available evidence is currently insufficient to determine the role of this variant in disease. Therefore, it has been classified as a Variant of Uncertain Significance.

NM_014239.4(EIF2B2):c.34T>C (p.Ser12Pro)

Gene: EIF2B2 (eukaryotic translation initiation factor 2B subunit beta; plus strand). Cytogenetic location: 14q24.3.
Variant type: single nucleotide variant.
Coding change: c.34T>C on transcript NM_014239.4 (MANE Select); coding-DNA position 34, T replaced by C.
Protein change: p.Ser12Pro; replaces serine 12 with proline.
Molecular consequence: missense variant.
Genome position (GRCh38, 1-based): chr14:75,003,024, T>C. VCF-style: chr14-75003024-T-C. GRCh37 (hg19) VCF-style: chr14-75469727-T-C.
Other names: c.34T>C (NM_014239.3); short protein forms S12P.
Identifiers: ClinVar variation 1517412 (VCV001517412.7), dbSNP rs1356657099, ClinGen allele CA390422913.